The following is an entry in ClinVar:

ClinVar aggregate classification (germline): Uncertain significance. Review status: criteria provided, multiple submitters, no conflicts (2 of 4 stars). 2 submissions from 2 submitters: Uncertain significance (2). Last evaluated 2020-01-16.

Conditions:
Cardiovascular phenotype. Identifiers: MedGen CN230736.

Submissions (2):

Ambry Genetics
Classification: Uncertain significance for Cardiovascular phenotype. Last evaluated: 2020-01-16. Review status: criteria provided, single submitter. Criteria: Ambry Variant Classification Scheme 2023. Collection method: clinical testing. Allele origin: germline.
Comment: The p.V409E variant (also known as c.1226T>A), located in coding exon 6 of the KCNH2 gene, results from a T to A substitution at nucleotide position 1226. The valine at codon 409 is replaced by glutamic acid, an amino acid with dissimilar properties, and is located in the S1 transmembrane domain. This amino acid position is highly conserved in available vertebrate species. In addition, this alteration is predicted to be deleterious by in silico analysis. Since supporting evidence is limited at this time, the clinical significance of this alteration remains unclear.

GeneDx
Classification: Uncertain significance. Last evaluated: 2017-11-20. Review status: criteria provided, single submitter. Criteria: GeneDx Variant Classification (06012015). Collection method: clinical testing. Allele origin: germline. Affected: yes.
Comment: A variant of uncertain significance has been identified in the KCNH2 gene. The V409E variant has not been published as pathogenic or been reported as benign to our knowledge. This variant is not observed in large population cohorts (Lek et al., 2016). The V409E variant is a non-conservative amino acid substitution, which is likely to impact secondary protein structure as these residues differ in polarity, charge, size and/or other properties. Additionally, in-silico analyses, including protein predictors and evolutionary conservation, support a deleterious effect. Nevertheless, the V409E variant lacks observation in a significant number of affected individuals, segregation data, and functional evidence, which would further clarify its pathogenicity.

NM_000238.4(KCNH2):c.1226T>A (p.Val409Glu)

Gene: KCNH2 (potassium voltage-gated channel subfamily H member 2; minus strand). Cytogenetic location: 7q36.1.
Variant type: single nucleotide variant.
Coding change: c.1226T>A on transcript NM_000238.4 (MANE Select); coding-DNA position 1226, T replaced by A.
Protein change: p.Val409Glu; replaces valine 409 with glutamic acid.
Molecular consequence: missense variant.
Genome position (GRCh38, 1-based): chr7:150,952,756, A>T on the plus strand (T>A on the coding strand, the complement: KCNH2 is on the minus strand). VCF-style: chr7-150952756-A-T. GRCh37 (hg19) VCF-style: chr7-150649844-A-T.
Other names: p.V409E:GTG>GAG; c.206T>A, p.Val69Glu (NM_001204798.2, NM_172057.3); c.938T>A, p.Val313Glu (NM_001406753.1, NM_001406756.1); c.1049T>A, p.Val350Glu (NM_001406755.1); c.926T>A, p.Val309Glu (NM_001406757.1); c.1226T>A, p.Val409Glu (NM_172056.3); short protein forms V409E, V69E, V309E, V313E, V350E.
Identifiers: ClinVar variation 200329 (VCV000200329.8), dbSNP rs794728367, ClinGen allele CA004292.
Genomic context (GRCh38, chr7:150,952,756, plus strand): 5'-GCCGAGTAGGGTGTGAAGACAGCCGTGTAGATGACCAGCAGCAGGATGAGCCAGTCCCAC[A>T]CGGCCTTGAAGGGGCTGTAATGCAGGATGGTCCAGCGGTGGATGCGCGGTGCCTGCAGCT-3'
Protein context (NP_000229.1, residues 399-419): TILHYSPFKA[Val409Glu]WDWLILLLVI